The following is an entry in ClinVar:

ClinVar aggregate classification (germline): Conflicting classifications of pathogenicity. Review status: criteria provided, conflicting classifications (1 of 4 stars). 2 submissions from 2 submitters: Uncertain significance (1); Likely benign (1). Last evaluated 2025-09-23.

Conditions:
NPHP1-related disorder. Also called: NPHP1-related condition; NPHP1-related disorders.

gnomAD v4.1: 2 of 1,475,710 alleles (0.00014%); highest among the groups gnomAD compares: African/African-American, 0.0014%; no homozygotes.

Submissions (2):

PreventionGenetics, part of Exact Sciences
Classification: Likely benign for NPHP1-related condition. Last evaluated: 2025-09-23. Review status: criteria provided, single submitter. Criteria: ACMG Guidelines, 2015. Collection method: clinical testing. Allele origin: germline.
Comment: This variant is classified as likely benign based on ACMG/AMP sequence variant interpretation guidelines (Richards et al. 2015 PMID: 25741868, with internal and published modifications).

Women's Health and Genetics/Laboratory Corporation of America, LabCorp
Classification: Uncertain significance. Last evaluated: 2023-10-29. Review status: criteria provided, single submitter. Criteria: LabCorp Variant Classification Summary - May 2015. Collection method: clinical testing. Allele origin: germline.

NM_001128178.3(NPHP1):c.1269+4T>C

Gene: NPHP1 (nephrocystin 1; minus strand). Cytogenetic location: 2q13.
Variant type: single nucleotide variant.
Coding change: c.1269+4T>C on transcript NM_001128178.3 (MANE Select); 4 bases into the intron after coding-DNA position 1269, T replaced by C.
Molecular consequence: intron variant.
Genome position (GRCh38, 1-based): chr2:110,147,912, A>G on the plus strand (T>C on the coding strand, the complement: NPHP1 is on the minus strand). VCF-style: chr2-110147912-A-G. GRCh37 (hg19) VCF-style: chr2-110905489-A-G.
Other names: c.1080+4T>C (NM_001128179.3); c.1266+4T>C (NM_001374256.1); c.1269+4T>C (NM_001374257.1); c.1434+4T>C (NM_207181.4); c.1437+4T>C (NM_000272.5, NM_000272.3).
Identifiers: ClinVar variation 2637532 (VCV002637532.2), dbSNP rs1681179538, ClinGen allele CA1278830312.